The following is an entry in ClinVar:

NM_002230.4(JUP):c.-1G>A

Gene: JUP (junction plakoglobin; minus strand). Cytogenetic location: 17q21.2.
Variant type: single nucleotide variant.
Coding change: c.-1G>A on transcript NM_002230.4 (MANE Select); 1 bases upstream of the start codon, G replaced by A.
Molecular consequence: 5 prime UTR variant.
Genome position (GRCh38, 1-based): chr17:41,771,855, C>T on the plus strand (G>A on the coding strand, the complement: JUP is on the minus strand). VCF-style: chr17-41771855-C-T. GRCh37 (hg19) VCF-style: chr17-39928107-C-T.
Other names: c.-1G>A (NM_001352773.2, NM_001352774.2, NM_001352775.2 and 3 more transcripts).
Identifiers: ClinVar variation 4687606 (VCV004687606.2).

ClinVar aggregate classification (germline): Uncertain significance. Review status: criteria provided, multiple submitters, no conflicts (2 of 4 stars). 2 submissions from 2 submitters: Uncertain significance (2). Last evaluated 2026-01-02.

Conditions:
Cardiovascular phenotype. Identifiers: MedGen CN230736.

gnomAD v4.1: 5 of 1,609,012 alleles (0.00031%); highest among the groups gnomAD compares: African/African-American, 0.004%; no homozygotes.

Submissions (2):

Ambry Genetics
Classification: Uncertain significance for Cardiovascular phenotype. Last evaluated: 2026-01-02. Review status: criteria provided, single submitter. Criteria: Ambry Variant Classification Scheme 2023. Collection method: clinical testing. Allele origin: germline.
Comment: The c.-1G>A variant is located in the 5' untranslated region (5&rsquo; UTR) of the JUP gene. This variant results from a G to A substitution 1 bases upstream from the first translated codon. This nucleotide position is poorly conserved in available vertebrate species. Based on the available evidence, the clinical significance of this variant remains unclear.

Women's Health and Genetics/Laboratory Corporation of America, LabCorp
Classification: Uncertain significance. Last evaluated: 2025-10-03. Review status: criteria provided, single submitter. Criteria: LabCorp Variant Classification Summary - May 2015. Collection method: clinical testing. Allele origin: germline.